The following is an entry in ClinVar:

NM_006908.5(RAC1):c.*10C>G

Gene: RAC1 (Rac family small GTPase 1; plus strand). Cytogenetic location: 7p22.1.
Variant type: single nucleotide variant.
Coding change: c.*10C>G on transcript NM_006908.5 (MANE Select); 10 bases downstream of the stop codon, C replaced by G.
Molecular consequence: 3 prime UTR variant.
Genome position (GRCh38, 1-based): chr7:6,402,456, C>G. VCF-style: chr7-6402456-C-G. GRCh37 (hg19) VCF-style: chr7-6442087-C-G.
Other names: c.*10C>G (NM_018890.4).
Identifiers: ClinVar variation 3069128 (VCV003069128.4), dbSNP rs1416607213, ClinGen allele CA572823447.

ClinVar aggregate classification (germline): Uncertain significance (1 of 4 stars; one submission).

Allele frequency attached by ClinVar (database versions not stated): TOPMed below 0.00001.

Submission:

Women's Health and Genetics/Laboratory Corporation of America, LabCorp
Classification: Uncertain significance. Last evaluated: 2026-01-13. Review status: criteria provided, single submitter. Criteria: LabCorp Variant Classification Summary - May 2015. Collection method: clinical testing. Allele origin: germline.
Comment: Variant summary: RAC1 c.*10C>G is located in the untranslated mRNA region downstream of the termination codon. The variant allele was found at a frequency of 4.9e-06 in 202146 control chromosomes. The available data on variant occurrences in the general population are insufficient to allow any conclusion about variant significance. To our knowledge, no occurrence of c.*10C>G in individuals affected with RAC1-related conditions and no experimental evidence demonstrating its impact on protein function have been reported. ClinVar contains an entry for this variant (Variation ID: 3069128). Based on the evidence outlined above, the variant was classified as uncertain significance.